The following is an entry in ClinVar:

NM_016188.5(ACTL6B):c.578C>T (p.Pro193Leu)

Gene: ACTL6B (actin like 6B; minus strand). Cytogenetic location: 7q22.1.
Variant type: single nucleotide variant.
Coding change: c.578C>T on transcript NM_016188.5 (MANE Select); coding-DNA position 578, C replaced by T.
Protein change: p.Pro193Leu; replaces proline 193 with leucine.
Molecular consequence: missense variant. On other transcripts: non-coding transcript variant (1).
Genome position (GRCh38, 1-based): chr7:100,648,647, G>A on the plus strand (C>T on the coding strand, the complement: ACTL6B is on the minus strand). VCF-style: chr7-100648647-G-A. GRCh37 (hg19) VCF-style: chr7-100246270-G-A.
Other names: short protein forms P193L.
Identifiers: ClinVar variation 3371062 (VCV003371062.1).

ClinVar aggregate classification (germline): Uncertain significance (1 of 4 stars; one submission).

Submission:

GeneDx
Classification: Uncertain significance. Last evaluated: 2024-04-08. Review status: criteria provided, single submitter. Criteria: GeneDx Variant Classification Process June 2021. Collection method: clinical testing. Allele origin: germline. Affected: yes.
Comment: Not observed at significant frequency in large population cohorts (gnomAD); In silico analysis supports that this missense variant has a deleterious effect on protein structure/function; Has not been previously published as pathogenic or benign to our knowledge